The following is an entry in ClinVar:

ClinVar aggregate classification (germline): Uncertain significance (1 of 4 stars; one submission).

Conditions:
Bethlem myopathy 1A. Also called: MYOPATHY, BENIGN CONGENITAL, WITH CONTRACTURES; Bethlem Muscular Dystrophy; Bethlem myopathy 1. Identifiers: Orphanet 610, MedGen CN029274, MONDO:0024530, OMIM 158810.

Submission:

Labcorp Genetics (formerly Invitae), Labcorp
Classification: Uncertain significance for Bethlem myopathy 1A. Last evaluated: 2020-11-20. Review status: criteria provided, single submitter. Criteria: Invitae Variant Classification Sherloc (09022015). Collection method: clinical testing. Allele origin: germline.
Comment: In summary, the available evidence is currently insufficient to determine the role of this variant in disease. Therefore, it has been classified as a Variant of Uncertain Significance. Experimental studies and prediction algorithms are not available or were not evaluated, and the functional significance of this variant is currently unknown. This variant has not been reported in the literature in individuals with COL6A3-related conditions. This variant is a gross deletion of the genomic region encompassing exon(s) 4-5 of the COL6A3 gene. This variant would be expected to be in-frame, preserving the integrity of the reading frame.

NC_000002.11:g.(?_238289548)_(238296837_?)del

Gene: COL6A3 (collagen type VI alpha 3 chain; minus strand). Cytogenetic location: 2q37.3.
Variant type: Deletion.
Identifiers: ClinVar variation 1450419 (VCV001450419.8).